The following is an entry in ClinVar:

ClinVar aggregate classification (germline): Uncertain significance. Review status: criteria provided, multiple submitters, no conflicts (2 of 4 stars). 2 submissions from 2 submitters: Uncertain significance (2). Last evaluated 2025-08-22.

Conditions:
Epileptic encephalopathy. Identifiers: MedGen C0543888, HP:0200134.

Allele frequency attached by ClinVar (database versions not stated): gnomAD exomes 0.00001 and 0.00003; ExAC 0.00003; gnomAD 0.00007; TOPMed 0.00014.
gnomAD v4.1: 26 of 1,603,910 alleles (0.0016%); highest among the groups gnomAD compares: African/African-American, 0.024%; no homozygotes.

Submissions (3):

Ambry Genetics
Classification: Uncertain significance. Last evaluated: 2025-08-22. Review status: criteria provided, single submitter. Criteria: Ambry Variant Classification Scheme 2023. Collection method: clinical testing. Allele origin: germline.

Labcorp Genetics (formerly Invitae), Labcorp
Classification: Uncertain significance for Epileptic encephalopathy. Last evaluated: 2023-12-07. Review status: criteria provided, single submitter. Criteria: Invitae Variant Classification Sherloc (09022015). Collection method: clinical testing. Allele origin: germline.
Comment: This sequence change replaces alanine, which is neutral and non-polar, with glycine, which is neutral and non-polar, at codon 4325 of the RYR3 protein (p.Ala4325Gly). This variant is present in population databases (rs772160575, gnomAD 0.03%). This variant has not been reported in the literature in individuals affected with RYR3-related conditions. ClinVar contains an entry for this variant (Variation ID: 1040795). Advanced modeling of protein sequence and biophysical properties (such as structural, functional, and spatial information, amino acid conservation, physicochemical variation, residue mobility, and thermodynamic stability) performed at Invitae indicates that this missense variant is not expected to disrupt RYR3 protein function with a negative predictive value of 80%. In summary, the available evidence is currently insufficient to determine the role of this variant in disease. Therefore, it has been classified as a Variant of Uncertain Significance.

Dr. Peter K. Rogan Lab, Western University
No classification provided (evidence only). Condition: Gastric cancer. Review status: no classification provided. Collection method: in vitro. Allele origin: not applicable. Functional consequence: retained intron. Not counted in ClinVar's aggregate classification.

NM_001036.6(RYR3):c.12974C>G (p.Ala4325Gly)

Gene: RYR3 (ryanodine receptor 3; plus strand). Cytogenetic location: 15q14.
Variant type: single nucleotide variant.
Coding change: c.12974C>G on transcript NM_001036.6 (MANE Select); coding-DNA position 12974, C replaced by G.
Protein change: p.Ala4325Gly; replaces alanine 4325 with glycine.
Molecular consequence: missense variant.
Genome position (GRCh38, 1-based): chr15:33,838,954, C>G. VCF-style: chr15-33838954-C-G. GRCh37 (hg19) VCF-style: chr15-34131155-C-G.
Other names: c.12959C>G, p.Ala4320Gly (NM_001243996.4); c.12974C>G (NM_001036.3); short protein forms A4320G, A4325G.
Identifiers: ClinVar variation 1040795 (VCV001040795.10), dbSNP rs772160575, ClinGen allele CA7461506.
Genomic context (GRCh38, chr15:33,838,954, plus strand): 5'-AAATTATTGGCAAGGATGAACCCCCTACATTAGAGAGTACTGTACAGAAGAAGAGGAAAG[C>G]TCAGGTAAGTGTCATTTGTTTCTTTCATCTTCCTTTATCCCCAGAATAAGACTTGCCACC-3'
Protein context (NP_001027.3, residues 4315-4335): LESTVQKKRK[Ala4325Gly]QAAEMKAANE